The following is an entry in ClinVar:

NM_022114.4(PRDM16):c.3237T>C (p.Phe1079=)

Gene: PRDM16 (PR/SET domain 16; plus strand). Cytogenetic location: 1p36.32.
Variant type: single nucleotide variant.
Coding change: c.3237T>C on transcript NM_022114.4 (MANE Select); coding-DNA position 3237, T replaced by C.
Protein change: p.Phe1079=; no amino-acid change (phenylalanine 1079 retained).
Molecular consequence: synonymous variant.
Genome position (GRCh38, 1-based): chr1:3,426,178, T>C. VCF-style: chr1-3426178-T-C. GRCh37 (hg19) VCF-style: chr1-3342742-T-C.
Other names: c.3237T>C, p.Phe1079= (NM_199454.3).
Identifiers: ClinVar variation 2638095 (VCV002638095.26), dbSNP rs2523951926, ClinGen allele CA415537058.

ClinVar aggregate classification (germline): Likely benign. Review status: criteria provided, multiple submitters, no conflicts (2 of 4 stars). 2 submissions from 2 submitters: Likely benign (2). Last evaluated 2024-07-03.

Conditions:
Left ventricular noncompaction 8 (LVNC8). Identifiers: Orphanet 154, Orphanet 54260, MedGen C3809288, MONDO:0014152, OMIM 615373.

Submissions (2):

Labcorp Genetics (formerly Invitae), Labcorp
Classification: Likely benign for Left ventricular noncompaction 8. Last evaluated: 2024-07-03. Review status: criteria provided, single submitter. Criteria: Invitae Variant Classification Sherloc (09022015). Collection method: clinical testing. Allele origin: germline.

CeGaT Center for Human Genetics Tuebingen
Classification: Likely benign. Last evaluated: 2022-07-01. Review status: criteria provided, single submitter. Criteria: CeGaT Center For Human Genetics Tuebingen Variant Classification Criteria Version 2. Collection method: clinical testing. Allele origin: germline. Affected: yes. Observed: 1 variant allele.
Comment: PRDM16: PM2:Supporting, BP4, BP7